The following is an entry in ClinVar:

ClinVar aggregate classification (germline): Uncertain significance (1 of 4 stars; one submission).

Conditions:
Familial adenomatous polyposis 1 (FAP1). Also called: FAMILIAL ADENOMATOUS POLYPOSIS 1, ATTENUATED; POLYPOSIS, ADENOMATOUS INTESTINAL. Identifiers: MedGen C2713442, MONDO:0021056, OMIM 175100. Disease mechanism: loss of function.

Submission:

Labcorp Genetics (formerly Invitae), Labcorp
Classification: Uncertain significance for Familial adenomatous polyposis 1. Last evaluated: 2025-04-28. Review status: criteria provided, single submitter. Criteria: Invitae Variant Classification Sherloc (09022015). Collection method: clinical testing. Allele origin: germline.
Comment: This variant occurs in a non-coding region of the APC gene. It does not change the encoded amino acid sequence of the APC protein. This variant is not present in population databases (gnomAD no frequency). This variant has not been reported in the literature in individuals affected with APC-related conditions. Experimental studies and prediction algorithms are not available or were not evaluated, and the functional significance of this variant is currently unknown. In summary, the available evidence is currently insufficient to determine the role of this variant in disease. Therefore, it has been classified as a Variant of Uncertain Significance.

NC_000005.10:g.112707420C>T

Gene: APC (APC regulator of Wnt signaling pathway; plus strand). Cytogenetic location: 5q22.2.
Variant type: single nucleotide variant.
Genome position: GRCh38 VCF-style: chr5-112707420-C-T. GRCh37 (hg19) VCF-style: chr5-112043117-C-T.
Identifiers: ClinVar variation 999943 (VCV000999943.8), dbSNP rs1427438975, ClinGen allele CA1573442280.